The following is an entry in ClinVar:

NM_003560.4(PLA2G6):c.1058C>T (p.Pro353Leu)

Gene: PLA2G6 (phospholipase A2 group VI; minus strand). Cytogenetic location: 22q13.1.
Variant type: single nucleotide variant.
Coding change: c.1058C>T on transcript NM_003560.4 (MANE Select); coding-DNA position 1058, C replaced by T.
Protein change: p.Pro353Leu; replaces proline 353 with leucine.
Molecular consequence: missense variant.
Genome position (GRCh38, 1-based): chr22:38,132,850, G>A on the plus strand (C>T on the coding strand, the complement: PLA2G6 is on the minus strand). VCF-style: chr22-38132850-G-A. GRCh37 (hg19) VCF-style: chr22-38528857-G-A.
Other names: NM_003560.4(PLA2G6):c.1058C>T; p.Pro353Leu; c.1058C>T, p.Pro353Leu (NM_001004426.3, NM_001199562.3, NM_001349864.2 and 2 more transcripts); c.524C>T, p.Pro175Leu (NM_001349867.2, NM_001349869.2); c.380C>T, p.Pro127Leu (NM_001349868.2); short protein forms P353L, P127L, P175L.
Identifiers: ClinVar variation 159726 (VCV000159726.35), dbSNP rs587784326, ClinGen allele CA173194.

ClinVar aggregate classification (germline): Conflicting classifications of pathogenicity. Review status: criteria provided, conflicting classifications (1 of 4 stars). 9 submissions from 9 submitters: Likely pathogenic (5); Uncertain significance (4). Last evaluated 2026-02-02.

Conditions:
PLA2G6-associated neurodegeneration (PLAN). Also called: phospholipase A2-associated neurodegeneration. Identifiers: Orphanet 329303, MedGen CN204472, MONDO:0017998.
Inborn genetic diseases. Identifiers: MedGen C0950123, MeSH D030342.
Infantile neuroaxonal dystrophy (NBIA2A). Also called: Infantile neuroaxonal dystrophy 1; NEURODEGENERATION WITH BRAIN IRON ACCUMULATION 2A; SEITELBERGER DISEASE. Identifiers: Orphanet 35069, MedGen C0270724, MONDO:0024457, OMIM 256600.
Neurodegeneration with brain iron accumulation 2B. Also called: atypical Neuroaxonal Dystrophy (aNAD); aNAD; NEUROAXONAL DYSTROPHY, ATYPICAL; NEURODEGENERATION WITH BRAIN IRON ACCUMULATION, PLA2G6-RELATED. Identifiers: Orphanet 35069, MedGen C1857747, MONDO:0012444, OMIM 610217.
Autosomal recessive Parkinson disease 14. Also called: DYSTONIA-PARKINSONISM, ADULT-ONSET; PARKINSON DISEASE 14. Identifiers: Orphanet 199351, MedGen C2751842, MONDO:0013060, OMIM 612953.
Iron accumulation in brain. Identifiers: MedGen C4021076, HP:0012675.

Allele frequency attached by ClinVar (database versions not stated): gnomAD exomes 0.00001; TOPMed 0.00002; gnomAD 0.00004.

Submissions (9):

GeneDx
Classification: Likely pathogenic. Last evaluated: 2026-02-02. Review status: criteria provided, single submitter. Criteria: GeneDx Variant Classification Process June 2021. Collection method: clinical testing. Allele origin: germline.
Comment: Not observed at significant frequency in large population cohorts (gnomAD); In silico analysis supports that this missense variant has a deleterious effect on protein structure/function; This variant is associated with the following publications: (PMID: 18799783, 29859652, 16783378, 35861376, 34234304)

Broad Center for Mendelian Genomics, Broad Institute of MIT and Harvard
Classification: Likely pathogenic for PLA2G6-associated neurodegeneration. Last evaluated: 2025-05-06. Review status: criteria provided, single submitter. Criteria: ACMG Guidelines, 2015. Collection method: curation. Allele origin: germline. Inheritance: Autosomal recessive inheritance.
Comment: The p.Pro353Leu variant in PLA2G6 has been reported in 3 individuals with PLA2G6-associated neurodegeneration (PMID: 16783378, 29859652, 31493945), and has been identified in 0.004% (3/73160) of African/African American chromosomes by the Genome Aggregation Database (gnomAD; dbSNP ID: rs587784326). Although this variant has been seen in the general population in a heterozygous state, its frequency is low enough to be consistent with a recessive carrier frequency. This variant has also been reported in ClinVar (Variation ID#: 159726) and has been interpreted as likely pathogenic by Genetic Services Laboratory (University of Chicago), Juno Genomics (Hangzhou Juno Genomics, Inc) and as a variant of uncertain significance by Invitae. Of the 2 affected individuals, 1 of those was a homozygote and 1 was compound heterozygote that carried a reported pathogenic variant with unknown phase, which increases the likelihood that the p.Pro353Leu variant is pathogenic (Variation ID: 6195; PMID: 29859652, 31493945). Computational prediction tools and conservation analyses suggest that this variant may impact the protein, though this information is not predictive enough to determine pathogenicity. The phenotype of an individual heterozygous for this variant is highly specific for PLA2G6-associated neurodegeneration based on brain iron accumulation consistent with disease (PMID: 29859652). In summary, although additional studies are required to fully establish its clinical significance, this variant is likely pathogenic for autosomal recessive PLA2G6-associated neurodegeneration. ACMG/AMP Criteria applied: PP3_moderate, PM3, PP4, PM2_supporting (Richards 2015).

Ambry Genetics
Classification: Uncertain significance for Inborn genetic diseases. Last evaluated: 2025-04-04. Review status: criteria provided, single submitter. Criteria: Ambry Variant Classification Scheme 2023. Collection method: clinical testing. Allele origin: germline.

Women's Health and Genetics/Laboratory Corporation of America, LabCorp
Classification: Uncertain significance. Last evaluated: 2025-02-26. Review status: criteria provided, single submitter. Criteria: LabCorp Variant Classification Summary - May 2015. Collection method: clinical testing. Allele origin: germline.
Comment: Variant summary: PLA2G6 c.1058C>T (p.Pro353Leu) results in a non-conservative amino acid change located in the Ankyrin repeat domain (IPR002110) of the encoded protein sequence. Four of five in-silico tools predict a damaging effect of the variant on protein function. The variant allele was found at a frequency of 1.4e-05 in 1543218 control chromosomes (gnomAD). This frequency is not significantly higher than estimated for a pathogenic variant in PLA2G6 causing Neurodegeneration With Brain Iron Accumulation (1.4e-05 vs 0.00085), allowing no conclusion about variant significance. The variant, c.1058C>T, has been reported in the literature in individuals affected with childhood-onset ataxia (e.g. Morgan_2006, Gitiaux_2018, Benkirane_2021, Arslan_2020) and early-onset Parkinson's disease (e.g. Chen_2022). These data indicate that the variant may be associated with disease. To our knowledge, no experimental evidence demonstrating an impact on protein function has been reported. The following publications have been ascertained in the context of this evaluation (PMID: 16783378, 29859652, 34234304, 31493945, 35861376). ClinVar contains an entry for this variant (Variation ID: 159726). Based on the evidence outlined above, the variant was classified as VUS-possibly pathogenic.

CeGaT Center for Human Genetics Tuebingen
Classification: Likely pathogenic. Last evaluated: 2024-06-01. Review status: criteria provided, single submitter. Criteria: CeGaT Center For Human Genetics Tuebingen Variant Classification Criteria Version 2. Collection method: clinical testing. Allele origin: germline. Affected: yes. Observed: 2 variant alleles.
Comment: PLA2G6: PM3:Strong, PM2

Labcorp Genetics (formerly Invitae), Labcorp
Classification: Uncertain significance for Infantile neuroaxonal dystrophy. Last evaluated: 2022-08-16. Review status: criteria provided, single submitter. Criteria: Invitae Variant Classification Sherloc (09022015). Collection method: clinical testing. Allele origin: germline.
Comment: This sequence change replaces proline, which is neutral and non-polar, with leucine, which is neutral and non-polar, at codon 353 of the PLA2G6 protein (p.Pro353Leu). The frequency data for this variant in the population databases is considered unreliable, as metrics indicate poor data quality at this position in the gnomAD database. This missense change has been observed in individual(s) with autosomal recessive infantile neuroaxonal dystrophy (PMID: 16783378). ClinVar contains an entry for this variant (Variation ID: 159726). Advanced modeling of protein sequence and biophysical properties (such as structural, functional, and spatial information, amino acid conservation, physicochemical variation, residue mobility, and thermodynamic stability) performed at Invitae indicates that this missense variant is expected to disrupt PLA2G6 protein function. In summary, the available evidence is currently insufficient to determine the role of this variant in disease. Therefore, it has been classified as a Variant of Uncertain Significance.

Blueprint Genetics
Classification: Uncertain significance. Last evaluated: 2020-06-15. Review status: criteria provided, single submitter. Criteria: ACMG Guidelines, 2015. Collection method: clinical testing. Allele origin: germline.

Genetic Services Laboratory, University of Chicago
Classification: Likely pathogenic for iron accumulation in brain. Last evaluated: 2014-05-27. Review status: criteria provided, single submitter. Criteria: ACMG Guidelines, 2015. Collection method: clinical testing. Allele origin: germline. Inheritance: Autosomal recessive inheritance. Affected: yes.

Juno Genomics, Hangzhou Juno Genomics, Inc
Classification: Likely pathogenic for Infantile neuroaxonal dystrophy; Neurodegeneration with brain iron accumulation 2B; Autosomal recessive Parkinson disease 14. Review status: criteria provided, single submitter. Criteria: ACMG Guidelines, 2015. Collection method: clinical testing. Allele origin: germline. Affected: yes.
Comment: Absent from controls (or at extremely low frequency if recessive) in Genome Aggregation Database, Exome Sequencing Project, 1000 Genomes Project, or Exome Aggregation Consortium.;Multiple lines of computational evidence support a deleterious effect on the gene or gene product (conservation, evolutionary, splicing impact, etc).;For recessive disorders, detected in trans with a pathogenic variant.;Patient's phenotype or family history is highly specific for a disease with a single genetic etiology.

Literature cited by the submitters: PubMed 16783378 (cited by 3 submitters); PubMed 18799783 (cited by Ambry Genetics); PubMed 29859652 (cited by Ambry Genetics and Women's Health and Genetics/Laboratory Corporation of America, LabCorp); PubMed 31493945 (cited by Ambry Genetics and Women's Health and Genetics/Laboratory Corporation of America, LabCorp); PubMed 34234304 (cited by Ambry Genetics and Women's Health and Genetics/Laboratory Corporation of America, LabCorp); PubMed 35861376 (cited by Ambry Genetics and Women's Health and Genetics/Laboratory Corporation of America, LabCorp).